The following is an entry in ClinVar:

NM_016932.5(SIX2):c.853A>C (p.Asn285His)

Gene: SIX2 (SIX homeobox 2; minus strand). Cytogenetic location: 2p21.
Variant type: single nucleotide variant.
Coding change: c.853A>C on transcript NM_016932.5 (MANE Select); coding-DNA position 853, A replaced by C.
Protein change: p.Asn285His; replaces asparagine 285 with histidine.
Molecular consequence: missense variant.
Genome position (GRCh38, 1-based): chr2:45,006,193, T>G on the plus strand (A>C on the coding strand, the complement: SIX2 is on the minus strand). VCF-style: chr2-45006193-T-G. GRCh37 (hg19) VCF-style: chr2-45233332-T-G.
Other names: short protein forms N285H.
Identifiers: ClinVar variation 3056604 (VCV003056604.2), dbSNP rs1572648156, ClinGen allele CA346800874.

ClinVar aggregate classification (germline): Benign (0 of 4 stars; one submission).

Conditions:
SIX2-related disorder. Also called: SIX2-related condition.

Submission:

PreventionGenetics, part of Exact Sciences
Classification: Benign for SIX2-related condition. Last evaluated: 2020-07-17. Review status: no assertion criteria provided. Collection method: clinical testing. Allele origin: germline.
Comment: This variant is classified as benign based on ACMG/AMP sequence variant interpretation guidelines (Richards et al. 2015 PMID: 25741868, with internal and published modifications).